The following is an entry in ClinVar:

ClinVar aggregate classification (germline): Uncertain significance (1 of 4 stars; one submission).

Allele frequency attached by ClinVar (database versions not stated): gnomAD exomes below 0.00001.
gnomAD v4.1: 1 of 1,209,402 alleles (0.000083%); highest among the groups gnomAD compares: Admixed American, 0.0022%; no homozygotes.

Submission:

GeneDx
Classification: Uncertain significance. Last evaluated: 2018-12-21. Review status: criteria provided, single submitter. Criteria: GeneDx Variant Classification (06012015). Collection method: clinical testing. Allele origin: germline. Affected: yes.
Comment: The R993Q variant in the BCOR gene has not been reported previously as a pathogenic variant, nor as a benign variant, to our knowledge. The R993Q variant was not observed in approximately 6500 individuals of European and African American ancestry in the NHLBI Exome Sequencing Project, indicating it is not a common benign variant in these populations. The R993Q variant is a semi-conservative amino acid substitution, which may impact secondary protein structure as these residues differ in some properties. This substitution occurs at a position that is conserved across species. In silico analysis predicts this variant is probably damaging to the protein structure/function. We interpret R993Q as a variant of uncertain significance.

NM_001123385.2(BCOR):c.2978G>A (p.Arg993Gln)

Gene: BCOR (BCL6 corepressor; minus strand). Cytogenetic location: Xp11.4.
Variant type: single nucleotide variant.
Coding change: c.2978G>A on transcript NM_001123385.2 (MANE Select); coding-DNA position 2978, G replaced by A.
Protein change: p.Arg993Gln; replaces arginine 993 with glutamine.
Molecular consequence: missense variant.
Genome position (GRCh38, 1-based): chrX:40,072,368, C>T on the plus strand (G>A on the coding strand, the complement: BCOR is on the minus strand). VCF-style: chrX-40072368-C-T. GRCh37 (hg19) VCF-style: chrX-39931621-C-T.
Other names: c.2978G>A, p.Arg993Gln (NM_001123384.2, NM_017745.6, NM_001123383.2); short protein forms R993Q.
Identifiers: ClinVar variation 392314 (VCV000392314.2), dbSNP rs756356120, ClinGen allele CA16608918.